The following is an entry in ClinVar:

NM_006208.3(ENPP1):c.2T>C (p.Met1Thr)

Gene: ENPP1 (ectonucleotide pyrophosphatase/phosphodiesterase 1; plus strand). Cytogenetic location: 6q23.2.
Variant type: single nucleotide variant.
Coding change: c.2T>C on transcript NM_006208.3 (MANE Select); coding-DNA position 2, T replaced by C.
Protein change: p.Met1Thr; changes the start codon (methionine 1).
Molecular consequence: missense variant, initiator codon variant.
Genome position (GRCh38, 1-based): chr6:131,808,037, T>C. VCF-style: chr6-131808037-T-C. GRCh37 (hg19) VCF-style: chr6-132129177-T-C.
Other names: short protein forms M1T.
Identifiers: ClinVar variation 2909498 (VCV002909498.4), dbSNP rs1781299830, ClinGen allele CA365660482.
Genomic context (GRCh38, chr6:131,808,037, plus strand): 5'-CGGCGCGGGGCCTATTAAAGGCGCGGCCGGGCAGCGGGGCCGGAGCGGCCGGGGCCACGA[T>C]GGAGCGCGACGGCTGCGCGGGGGGCGGGAGCCGCGGCGGCGAGGGCGGGCGCGCTCCCCG-3'
Protein context (NP_006199.2, residues 1-11): [Met1Thr]ERDGCAGGGS

ClinVar aggregate classification (germline): Uncertain significance. Review status: criteria provided, multiple submitters, no conflicts (2 of 4 stars). 2 submissions from 2 submitters: Uncertain significance (2). Last evaluated 2024-02-02.

Allele frequency attached by ClinVar (database versions not stated): gnomAD 0.00006; 1000 Genomes Project 30x 0.00047.

Submissions (2):

Labcorp Genetics (formerly Invitae), Labcorp
Classification: Uncertain significance. Last evaluated: 2024-02-02. Review status: criteria provided, single submitter. Criteria: Invitae Variant Classification Sherloc (09022015). Collection method: clinical testing. Allele origin: germline.
Comment: This sequence change affects the initiator methionine of the ENPP1 mRNA. The next in-frame methionine is located at codon 53. The frequency data for this variant in the population databases is considered unreliable, as metrics indicate insufficient coverage at this position in the gnomAD database. This variant has not been reported in the literature in individuals affected with ENPP1-related conditions. Experimental studies and prediction algorithms are not available or were not evaluated, and the functional significance of this variant is currently unknown. In summary, the available evidence is currently insufficient to determine the role of this variant in disease. Therefore, it has been classified as a Variant of Uncertain Significance.

Blueprint Genetics
Classification: Uncertain significance. Last evaluated: 2022-04-12. Review status: criteria provided, single submitter. Criteria: ACMG Guidelines, 2015. Collection method: clinical testing. Allele origin: germline.